The following is an entry in ClinVar:

ClinVar aggregate classification (germline): Likely benign (1 of 4 stars; one submission).

Conditions:
Birt-Hogg-Dube syndrome 1 (BHD1). Also called: FIBROFOLLICULOMAS WITH TRICHODISCOMAS AND ACROCHORDONS. Identifiers: Orphanet 122, MedGen CN375946, MONDO:0800445, OMIM 135150.

Submission:

Myriad Genetics, Inc.
Classification: Likely benign for Birt-Hogg-Dube syndrome 1. Last evaluated: 2024-10-24. Review status: criteria provided, single submitter. Criteria: Myriad Autosomal Dominant, Autosomal Recessive and X-Linked Classification Criteria (2023). Collection method: clinical testing. Allele origin: unknown.
Comment: This variant is considered likely benign. This variant is intronic and is not expected to impact mRNA splicing.

NM_144997.7(FLCN):c.1063-20C>T

Gene: FLCN (folliculin; minus strand). Cytogenetic location: 17p11.2.
Variant type: single nucleotide variant.
Coding change: c.1063-20C>T on transcript NM_144997.7 (MANE Select); 20 bases into the intron before coding-DNA position 1063, C replaced by T.
Molecular consequence: intron variant.
Genome position (GRCh38, 1-based): chr17:17,217,202, G>A on the plus strand (C>T on the coding strand, the complement: FLCN is on the minus strand). VCF-style: chr17-17217202-G-A. GRCh37 (hg19) VCF-style: chr17-17120516-G-A.
Other names: c.1063-20C>T (NM_001353231.2, NM_001353230.2); c.1117-20C>T (NM_001353229.2).
Identifiers: ClinVar variation 3773139 (VCV003773139.1).